The following is an entry in ClinVar:

ClinVar aggregate classification (germline): Uncertain significance (1 of 4 stars; one submission).

Conditions:
Dyskeratosis congenita. Identifiers: Orphanet 1775, MedGen C0265965, MONDO:0015780.

Submission:

Ambry Genetics
Classification: Uncertain significance for Dyskeratosis congenita. Last evaluated: 2022-02-17. Review status: criteria provided, single submitter. Criteria: Ambry Variant Classification Scheme 2023. Collection method: clinical testing. Allele origin: germline.
Comment: The p.R196P variant (also known as c.587G>C), located in coding exon 2 of the TERT gene, results from a G to C substitution at nucleotide position 587. The arginine at codon 196 is replaced by proline, an amino acid with dissimilar properties. This amino acid position is conserved. In addition, this alteration is predicted to be tolerated by in silico analysis. Since supporting evidence is limited at this time, the clinical significance of this alteration remains unclear.

NM_198253.3(TERT):c.587G>C (p.Arg196Pro)

Gene: TERT (telomerase reverse transcriptase; minus strand). Cytogenetic location: 5p15.33.
Variant type: single nucleotide variant.
Coding change: c.587G>C on transcript NM_198253.3 (MANE Select); coding-DNA position 587, G replaced by C.
Protein change: p.Arg196Pro; replaces arginine 196 with proline.
Molecular consequence: missense variant. On other transcripts: non-coding transcript variant (2).
Genome position (GRCh38, 1-based): chr5:1,294,299, C>G on the plus strand (G>C on the coding strand, the complement: TERT is on the minus strand). VCF-style: chr5-1294299-C-G. GRCh37 (hg19) VCF-style: chr5-1294414-C-G.
Other names: c.587G>C, p.Arg196Pro (NM_001193376.3, NM_003219.1); short protein forms R196P.
Identifiers: ClinVar variation 1750253 (VCV001750253.2), dbSNP rs779999492, ClinGen allele CA359057291.